The following is an entry in ClinVar:

ClinVar aggregate classification (germline): Conflicting classifications of pathogenicity. Review status: criteria provided, conflicting classifications (1 of 4 stars). 7 submissions from 7 submitters: Uncertain significance (1); Likely benign (4). 2 of the submissions do not count toward it. Last evaluated 2025-12-17.

Conditions:
LIPA-related disorder. Also called: LIPA-related condition; LIPA-related disorders.
Wolman disease (WOLD). Also called: LYSOSOMAL ACID LIPASE DEFICIENCY, COMPLETE; LIPA DEFICIENCY, COMPLETE; LAL DEFICIENCY, COMPLETE; CHOLESTEROL ESTER HYDROLASE DEFICIENCY, COMPLETE; LYSOSOMAL ACID LIPASE DEFICIENCY, ACUTE INFANTILE; Infantile-Onset LAL-D (Wolman Disease). Identifiers: Orphanet 75233, MedGen C0043208, MONDO:0019148, OMIM 620151.
Lysosomal acid lipase deficiency. Also called: Acid cholesteryl ester hydrolase deficiency, type 2. Identifiers: Orphanet 275761, MedGen C5574740, MONDO:0800449, MONDO:0010204.
Cardiovascular phenotype. Identifiers: MedGen CN230736.

Allele frequency attached by ClinVar (database versions not stated): gnomAD exomes 0.00003 and 0.00006; gnomAD 0.00005; ExAC 0.00006; TOPMed 0.00011; ESP Exome Variant Server 0.00015.
gnomAD v4.1: 51 of 1,613,892 alleles (0.0032%); highest among the groups gnomAD compares: East Asian, 0.031%; no homozygotes.

Submissions (7):

Labcorp Genetics (formerly Invitae), Labcorp
Classification: Likely benign for Wolman disease. Last evaluated: 2025-12-17. Review status: criteria provided, single submitter. Criteria: Invitae Variant Classification Sherloc (09022015). Collection method: clinical testing. Allele origin: germline.

GENinCode PLC
Classification: Likely benign for Lysosomal acid lipase deficiency. Last evaluated: 2023-12-08. Review status: criteria provided, single submitter. Criteria: ACMG Guidelines, 2015. Collection method: clinical testing. Allele origin: germline.
Comment: This is a synonymous (silent) variant that is not predicted by SpliceAI to impact splicing. In addition, it occurs at a nucleotide that is not conserved. Therefore this variant has been classified as Likely Benign (BP4, BP7).

CeGaT Center for Human Genetics Tuebingen
Classification: Likely benign. Last evaluated: 2023-03-01. Review status: criteria provided, single submitter. Criteria: CeGaT Center For Human Genetics Tuebingen Variant Classification Criteria Version 2. Collection method: clinical testing. Allele origin: germline. Affected: yes. Observed: 1 variant allele.
Comment: LIPA: BP4, BP7

Ambry Genetics
Classification: Likely benign for Cardiovascular phenotype. Last evaluated: 2022-03-09. Review status: criteria provided, single submitter. Criteria: Ambry Variant Classification Scheme 2023. Collection method: clinical testing. Allele origin: germline.

Eurofins Ntd Llc (ga)
Classification: Uncertain significance. Last evaluated: 2018-09-18. Review status: criteria provided, single submitter. Criteria: EGL ClinVar v180209 classification definitions. Collection method: clinical testing. Allele origin: germline. Observed: 1 variant allele, 1 heterozygote.

PreventionGenetics, part of Exact Sciences
Classification: Likely benign for LIPA-related condition. Last evaluated: 2024-06-08. Review status: no assertion criteria provided. Collection method: clinical testing. Allele origin: germline. Not counted in ClinVar's aggregate classification.
Comment: This variant is classified as likely benign based on ACMG/AMP sequence variant interpretation guidelines (Richards et al. 2015 PMID: 25741868, with internal and published modifications).

Natera, Inc.
Classification: Likely benign for Lysosomal acid lipase deficiency. Last evaluated: 2020-04-07. Review status: no assertion criteria provided. Collection method: clinical testing. Allele origin: germline. Not counted in ClinVar's aggregate classification.

NM_000235.4(LIPA):c.342C>T (p.Asp114=)

Gene: LIPA (lipase A, lysosomal acid type; minus strand). Cytogenetic location: 10q23.31.
Variant type: single nucleotide variant.
Coding change: c.342C>T on transcript NM_000235.4 (MANE Select); coding-DNA position 342, C replaced by T.
Protein change: p.Asp114=; no amino-acid change (aspartic acid 114 retained).
Molecular consequence: synonymous variant. On other transcripts: 5 prime UTR variant (1).
Genome position (GRCh38, 1-based): chr10:89,228,286, G>A on the plus strand (C>T on the coding strand, the complement: LIPA is on the minus strand). VCF-style: chr10-89228286-G-A. GRCh37 (hg19) VCF-style: chr10-90988043-G-A.
Other names: c.342C>T, p.Asp114= (NM_001127605.3); c.-7C>T (NM_001288979.2); c.342C>T (NM_000235.2).
Identifiers: ClinVar variation 598705 (VCV000598705.44), dbSNP rs371133960, ClinGen allele CA5593759.
Genomic context (GRCh38, chr10:89,228,286, plus strand): 5'-AACTGAGAGTGTCTTATGTTTCCGAGACCAGGTATTTCCTCTGCTGTTGCCCATCCACAC[G>A]TCAAAACCAGCATCAGCAAGAATGAAGCCCAGGCTGCTGTTGGCAAGGTTTGTGACCCAG-3'
Protein context (NP_000226.2, residues 104-124): LGFILADAGF[Asp114=]VWMGNSRGNT